The following is an entry in ClinVar:

ClinVar aggregate classification (germline): Uncertain significance (1 of 4 stars; one submission).

Submission:

GeneDx
Classification: Uncertain significance. Last evaluated: 2026-04-09. Review status: criteria provided, single submitter. Criteria: GeneDx Variant Classification Process June 2021. Collection method: clinical testing. Allele origin: germline.
Comment: Not observed at significant frequency in large population cohorts (gnomAD); In silico analysis supports that this missense variant has a deleterious effect on protein structure/function; Has not been previously published as pathogenic or benign to our knowledge

NM_004187.5(KDM5C):c.338A>G (p.Tyr113Cys)

Gene: KDM5C (lysine demethylase 5C; minus strand). Cytogenetic location: Xp11.22.
Variant type: single nucleotide variant.
Coding change: c.338A>G on transcript NM_004187.5 (MANE Select); coding-DNA position 338, A replaced by G.
Protein change: p.Tyr113Cys; replaces tyrosine 113 with cysteine.
Molecular consequence: missense variant. On other transcripts: non-coding transcript variant (2), intron variant (1).
Genome position (GRCh38, 1-based): chrX:53,218,289, T>C on the plus strand (A>G on the coding strand, the complement: KDM5C is on the minus strand). VCF-style: chrX-53218289-T-C. GRCh37 (hg19) VCF-style: chrX-53247471-T-C.
Other names: c.338A>G, p.Tyr113Cys (NM_001282622.3, NM_001353978.3, NM_001353979.2 and 3 more transcripts); c.151-323A>G (NM_001146702.2); short protein forms Y113C.
Identifiers: ClinVar variation 5018274 (VCV005018274.1).